The following is an entry in ClinVar:

ClinVar aggregate classification (germline): Uncertain significance (1 of 4 stars; one submission).

Submission:

Labcorp Genetics (formerly Invitae), Labcorp
Classification: Uncertain significance. Last evaluated: 2022-11-01. Review status: criteria provided, single submitter. Criteria: Invitae Variant Classification Sherloc (09022015). Collection method: clinical testing. Allele origin: germline.
Comment: This variant has not been reported in the literature in individuals affected with MYO5B-related conditions. Advanced modeling of protein sequence and biophysical properties (such as structural, functional, and spatial information, amino acid conservation, physicochemical variation, residue mobility, and thermodynamic stability) has been performed at Invitae for this missense variant, however the output from this modeling did not meet the statistical confidence thresholds required to predict the impact of this variant on MYO5B protein function. In summary, the available evidence is currently insufficient to determine the role of this variant in disease. Therefore, it has been classified as a Variant of Uncertain Significance. This variant is not present in population databases (gnomAD no frequency). This sequence change replaces glutamic acid, which is acidic and polar, with alanine, which is neutral and non-polar, at codon 924 of the MYO5B protein (p.Glu924Ala).

NM_001080467.3(MYO5B):c.2771A>C (p.Glu924Ala)

Gene: MYO5B (myosin VB; minus strand). Cytogenetic location: 18q21.1.
Variant type: single nucleotide variant.
Coding change: c.2771A>C on transcript NM_001080467.3 (MANE Select); coding-DNA position 2771, A replaced by C.
Protein change: p.Glu924Ala; replaces glutamic acid 924 with alanine.
Molecular consequence: missense variant.
Genome position (GRCh38, 1-based): chr18:49,902,634, T>G on the plus strand (A>C on the coding strand, the complement: MYO5B is on the minus strand). VCF-style: chr18-49902634-T-G. GRCh37 (hg19) VCF-style: chr18-47429004-T-G.
Other names: short protein forms E924A.
Identifiers: ClinVar variation 2113012 (VCV002113012.4), dbSNP rs2511276923, ClinGen allele CA402432293.